The following is an entry in ClinVar:

ClinVar aggregate classification (germline): Likely pathogenic (0 of 4 stars; one submission).

Conditions:
Marfan syndrome (MFS). Also called: MARFAN SYNDROME, TYPE I; Marfan syndrome type 1; Marfan's syndrome; FBN1-Related Marfan Syndrome; Marfan syndrome, classic. Identifiers: Orphanet 284963, Orphanet 558, MedGen C0024796, MONDO:0007947, OMIM 154700.

Submission:

Department of Laboratory Medicine and Genetics, Samsung Medical Center
Classification: Likely pathogenic for Marfan syndrome. Last evaluated: 2025-01-02. Review status: no assertion criteria provided. Collection method: clinical testing. Allele origin: germline. Affected: yes.
Comment: The NM_000138.5:c.2504A>T is considered to be rare in the general population database (gnomAD v2.1.1). According to the ClinGen guidance for PP1/BS4 and PP4 criteria (PMID: 38103548), PP4 with weighted strength was applied. In summary, this variant was classified as a likely pathogenic variant for Marfan syndrome (PP2, PP4 with weighted strength, PM2_P).

Literature cited by the submitters: PubMed 37558401.

NM_000138.5(FBN1):c.2504A>T (p.Glu835Val)

Gene: FBN1 (fibrillin 1; minus strand). Cytogenetic location: 15q21.1.
Variant type: single nucleotide variant.
Coding change: c.2504A>T on transcript NM_000138.5 (MANE Select); coding-DNA position 2504, A replaced by T.
Protein change: p.Glu835Val; replaces glutamic acid 835 with valine.
Molecular consequence: missense variant.
Genome position (GRCh38, 1-based): chr15:48,495,504, T>A on the plus strand (A>T on the coding strand, the complement: FBN1 is on the minus strand). VCF-style: chr15-48495504-T-A. GRCh37 (hg19) VCF-style: chr15-48787701-T-A.
Other names: c.2504A>T, p.Glu835Val (NM_001406716.1); short protein forms E835V.
Identifiers: ClinVar variation 3600267 (VCV003600267.1).
Genomic context (GRCh38, chr15:48,495,504, plus strand): 5'-AAATCATTCTCAGAAAGATAAATACCTATGCAGATGGTTTTTGTTGGATCCAAAGTACTT[T>A]CAGAAGAACATTCACAAATAAAAGAGCCTGGGCTGTTCTTGCAGACTCCATTAATGCAAG-3'
Protein context (NP_000129.3, residues 825-845): PGSFICECSS[Glu835Val]STLDPTKTIC